The following is an entry in ClinVar:

NM_182972.3(IRF2BP2):c.1099del (p.Val367fs)

Gene: IRF2BP2 (interferon regulatory factor 2 binding protein 2; minus strand). Cytogenetic location: 1q42.3.
Variant type: Deletion.
Coding change: c.1099del on transcript NM_182972.3 (MANE Select); coding-DNA position 1099, one base deleted (G; older notation c.1099delG).
Protein change: p.Val367fs; shifts the reading frame from valine 367.
Molecular consequence: frameshift variant.
Genome position (GRCh38, 1-based): chr1:234,607,802, C deleted on the plus strand (G on the coding strand, the reverse complement: IRF2BP2 is on the minus strand). VCF-style (leftmost placement, unchanged base first): chr1-234607801-AC-A. GRCh37 (hg19) VCF-style: chr1-234743547-AC-A.
Other names: c.1051del, p.Val351fs (NM_001077397.1); short protein forms V367fs, V351fs.
Identifiers: ClinVar variation 4729888 (VCV004729888.1).

ClinVar aggregate classification (germline): Uncertain significance (1 of 4 stars; one submission).

Submission:

Labcorp Genetics (formerly Invitae), Labcorp
Classification: Uncertain significance. Last evaluated: 2025-10-26. Review status: criteria provided, single submitter. Criteria: Invitae Variant Classification Sherloc (09022015). Collection method: clinical testing. Allele origin: germline.
Comment: This sequence change creates a premature translational stop signal (p.Val367Serfs*25) in the IRF2BP2 gene. While this is not anticipated to result in nonsense mediated decay, it is expected to disrupt the last 221 amino acid(s) of the IRF2BP2 protein. This variant is not present in population databases (gnomAD no frequency). This variant has not been reported in the literature in individuals affected with IRF2BP2-related conditions. In summary, the available evidence is currently insufficient to determine the role of this variant in disease. Therefore, it has been classified as a Variant of Uncertain Significance.